The following is an entry in ClinVar:

NM_138694.4(PKHD1):c.10515C>A (p.Ser3505Arg)

Gene: PKHD1 (PKHD1 ciliary IPT domain containing fibrocystin/polyductin; minus strand). Cytogenetic location: 6p12.3.
Variant type: single nucleotide variant.
Coding change: c.10515C>A on transcript NM_138694.4 (MANE Select); coding-DNA position 10515, C replaced by A.
Protein change: p.Ser3505Arg; replaces serine 3505 with arginine.
Molecular consequence: missense variant.
Genome position (GRCh38, 1-based): chr6:51,659,611, G>T on the plus strand (C>A on the coding strand, the complement: PKHD1 is on the minus strand). VCF-style: chr6-51659611-G-T. GRCh37 (hg19) VCF-style: chr6-51524409-G-T.
Other names: short protein forms S3505R.
Identifiers: ClinVar variation 167474 (VCV000167474.62), dbSNP rs139014478, ClinGen allele CA180298.

ClinVar aggregate classification (germline): Benign/Likely benign. Review status: criteria provided, multiple submitters, no conflicts (2 of 4 stars). 14 submissions from 14 submitters: Benign (5); Likely benign (5). 4 of the submissions do not count toward it. Last evaluated 2026-09-01.

Conditions:
Autosomal recessive polycystic kidney disease (ARPKD). Also called: AR polycystic kidney disease. Identifiers: Orphanet 731, Orphanet 8378, MedGen C0085548, MeSH D017044, MONDO:0009889.
Polycystic kidney disease. Also called: Kidney, Polycystic; Polycystic kidney dysplasia. Identifiers: MedGen C0022680, MeSH D007690, MONDO:0020642, HP:0000113.

Allele frequency attached by ClinVar (database versions not stated): gnomAD 0.00721 and 0.00701; ExAC 0.00678; TOPMed 0.00705; 1000 Genomes Project 0.00439; ESP Exome Variant Server 0.00823; 1000 Genomes Project 30x 0.00515; gnomAD exomes 0.00684 and 0.01010.
gnomAD v4.1: 15,690 of 1,613,614 alleles (0.97%); highest among the groups gnomAD compares: Non-Finnish European, 1.2%; 93 homozygotes.

Submissions (14):

CeGaT Center for Human Genetics Tuebingen
Classification: Benign. Last evaluated: 2026-09-01. Review status: criteria provided, single submitter. Criteria: CeGaT Center For Human Genetics Tuebingen Variant Classification Criteria Version 2. Collection method: clinical testing. Allele origin: germline. Affected: yes. Observed: 18 variant alleles.
Comment: PKHD1: BP4, BS1, BS2

Labcorp Genetics (formerly Invitae), Labcorp
Classification: Benign for Autosomal recessive polycystic kidney disease. Last evaluated: 2026-02-04. Review status: criteria provided, single submitter. Criteria: Invitae Variant Classification Sherloc (09022015). Collection method: clinical testing. Allele origin: germline.

Mayo Clinic Laboratories, Mayo Clinic
Classification: Likely benign. Last evaluated: 2025-03-25. Review status: criteria provided, single submitter. Criteria: ACMG Guidelines, 2015. Collection method: clinical testing. Allele origin: germline. Observed: 10 variant alleles.
Comment: BS1, BS2, BP4_moderate

Blueprint Genetics
Classification: Likely benign. Last evaluated: 2024-11-25. Review status: criteria provided, single submitter. Criteria: ACMG Guidelines, 2015. Collection method: clinical testing. Allele origin: germline.

GeneDx
Classification: Likely benign. Last evaluated: 2021-02-23. Review status: criteria provided, single submitter. Criteria: GeneDx Variant Classification Process June 2021. Collection method: clinical testing. Allele origin: germline. Affected: yes.

Women's Health and Genetics/Laboratory Corporation of America, LabCorp
Classification: Benign. Last evaluated: 2019-11-05. Review status: criteria provided, single submitter. Criteria: LabCorp Variant Classification Summary - May 2015. Collection method: clinical testing. Allele origin: germline.
Comment: Variant summary: PKHD1 c.10515C>A (p.Ser3505Arg) results in a non-conservative amino acid change in the encoded protein sequence. Three of five in-silico tools predict a benign effect of the variant on protein function. The variant allele was found at a frequency of 0.007 in 281496 control chromosomes, predominantly at a frequency of 0.011 within the Non-Finnish European subpopulation in the gnomAD database, including 6 homozygotes. The observed variant frequency within Non-Finnish European control individuals in the gnomAD database is approximately 1.5 fold of the estimated maximal expected allele frequency for a pathogenic variant in PKHD1 causing Polycystic Kidney and Hepatic Disease phenotype (0.0071), strongly suggesting that the variant is a benign polymorphism. Though the variant, c.10515C>A, has been reported in the literature in individuals affected with Polycystic Kidney and Hepatic Disease, it has also been found in controls, and therefore multiple studies reported it as a polymorphism. To our knowledge, no experimental evidence demonstrating an impact on protein function has been reported. Two other clinical diagnostic laboratories have submitted clinical-significance assessments for this variant to ClinVar after 2014 without evidence for independent evaluation, and both of them classified the variant as benign. Based on the evidence outlined above, the variant was classified as benign.

Illumina Laboratory Services, Illumina
Classification: Likely benign for Polycystic kidney disease 4. Last evaluated: 2017-04-27. Review status: criteria provided, single submitter. Criteria: ICSL Variant Classification Criteria 13 December 2019. Collection method: clinical testing. Allele origin: germline.
Comment: This variant was observed as part of a predisposition screen in an ostensibly healthy population. A literature search was performed for the gene, cDNA change, and amino acid change (where applicable). Publications were found based on this search. The evidence from the literature, in combination with allele frequency data from public databases where available, was sufficient to determine this variant is unlikely to cause disease. Therefore, this variant is classified as likely benign.

Eurofins Ntd Llc (ga)
Classification: Benign. Last evaluated: 2014-01-17. Review status: criteria provided, single submitter. Criteria: EGL Classification Definitions 2015. Collection method: clinical testing. Allele origin: germline. Observed: 2 variant alleles, 2 heterozygotes.

Breakthrough Genomics
Classification: Likely benign. Review status: criteria provided, single submitter. Criteria: ACMG Guidelines, 2015. Collection method: not provided. Allele origin: germline. Inheritance: Autosomal recessive inheritance. Affected: yes.

PreventionGenetics, part of Exact Sciences
Classification: Benign. Review status: criteria provided, single submitter. Criteria: ACMG Guidelines, 2015. Collection method: clinical testing. Allele origin: germline.

Natera, Inc.
Classification: Benign for Autosomal recessive polycystic kidney disease. Last evaluated: 2017-06-30. Review status: no assertion criteria provided. Collection method: clinical testing. Allele origin: germline. Not counted in ClinVar's aggregate classification.

Department of Pathology and Laboratory Medicine, Sinai Health System
Classification: Benign for Polycystic Kidney disease. Review status: no assertion criteria provided. Collection method: clinical testing. Allele origin: unknown. Affected: yes. Study: The Canadian Open Genetics Repository (COGR). Not counted in ClinVar's aggregate classification.
Comment: The PKHD1, p.Ser3505Arg variant was identified as a polymorphism in several studies (frequency information not specified) from Spanish, American and British individuals or families with ARPKD/congenital hepatic fibrosis/Caroliâ€šÃ„Ã´s disease, and was present in 6 of 390 control chromosomes (frequency: 0.015) from healthy individuals (Rosetti 2003, Sharp 2005, Losekoot 2005). The variant was also identified in dbSNP (ID: rs139014478) â€šÃ„ÃºWith benign alleleâ€šÃ„Ã¹, Clinvitae database (classification benign), the ClinVar database (classification benign by Emory Genetics Laboratory and Invitae), RWTH AAachen University ARPKD database (classified as a polymorphism); in the 1000 Genomes Project in 22 of 5000 chromosomes (frequency: 0.0044), HAPMAP populations EUR in 11 of 1006 chromosomes (frequency: 0.0109) and AMR in 11 of 694 chromosomes (frequency: 0.0159), NHLBI GO Exome Sequencing Project in 97 of 8600 European American alleles (frequency: 0.0112) and in 10 of 4406 African American alleles (frequency: 0.0022), and in the Exome Aggregation Consortium database (March 14m 2016) in 695 of 66390 chromosomes/ 5 homozygous (frequency: 0.0104) from a population of European (Non-Finnish) individuals, in 68 of 11398 chromosomes/ 1 homozygous (frequency: 0.0104) from a population of Latino individuals and none in the East Asian, Other, African, South Asian, or European (Finnish) populations. The p.Ser3505 residue is mostly conserved in mammals and computational analyses (PolyPhen-2, SIFT, AlignGVGD, BLOSUM, MutationTaster) provide inconsistent predictions regarding the impact to the protein; this information is not very predictive of pathogenicity. In summary, based on the above information, this variant meets our laboratory criteria to be classified as benign.

Genome Diagnostics Laboratory, University Medical Center Utrecht
Classification: Benign. Review status: no assertion criteria provided. Collection method: clinical testing. Allele origin: germline. Affected: yes. Study: VKGL Data-share Consensus. Not counted in ClinVar's aggregate classification.

Laboratory of Diagnostic Genome Analysis, Leiden University Medical Center (LUMC)
Classification: Likely benign. Review status: no assertion criteria provided. Collection method: clinical testing. Allele origin: germline. Affected: yes. Study: VKGL Data-share Consensus. Not counted in ClinVar's aggregate classification.

Literature cited by the submitters: PubMed 16876319 (cited by Women's Health and Genetics/Laboratory Corporation of America, LabCorp and Illumina Laboratory Services, Illumina); PubMed 15698423 (cited by Women's Health and Genetics/Laboratory Corporation of America, LabCorp); PubMed 15805161 (cited by Women's Health and Genetics/Laboratory Corporation of America, LabCorp and Illumina Laboratory Services, Illumina); PubMed 16133180 (cited by Women's Health and Genetics/Laboratory Corporation of America, LabCorp); PubMed 15108277 (cited by Illumina Laboratory Services, Illumina).